The following is an entry in ClinVar:

NM_001084.5(PLOD3):c.1131C>T (p.Asp377=)

Gene: PLOD3 (procollagen-lysine,2-oxoglutarate 5-dioxygenase 3; minus strand). Cytogenetic location: 7q22.1.
Variant type: single nucleotide variant.
Coding change: c.1131C>T on transcript NM_001084.5 (MANE Select); coding-DNA position 1131, C replaced by T.
Protein change: p.Asp377=; no amino-acid change (aspartic acid 377 retained).
Molecular consequence: synonymous variant.
Genome position (GRCh38, 1-based): chr7:101,211,947, G>A on the plus strand (C>T on the coding strand, the complement: PLOD3 is on the minus strand). VCF-style: chr7-101211947-G-A. GRCh37 (hg19) VCF-style: chr7-100855228-G-A.
Identifiers: ClinVar variation 3005110 (VCV003005110.3), dbSNP rs769885658, ClinGen allele CA456790126.

ClinVar aggregate classification (germline): Uncertain significance (1 of 4 stars; one submission).

Allele frequency attached by ClinVar (database versions not stated): TOPMed below 0.00001; gnomAD 0.00001.
gnomAD v4.1: 3 of 1,599,990 alleles (0.00019%); highest among the groups gnomAD compares: Non-Finnish European, 0.00026%; no homozygotes.

Submission:

Labcorp Genetics (formerly Invitae), Labcorp
Classification: Uncertain significance. Last evaluated: 2023-08-04. Review status: criteria provided, single submitter. Criteria: Invitae Variant Classification Sherloc (09022015). Collection method: clinical testing. Allele origin: germline.
Comment: In summary, the available evidence is currently insufficient to determine the role of this variant in disease. Therefore, it has been classified as a Variant of Uncertain Significance. This variant has not been reported in the literature in individuals affected with PLOD3-related conditions. This variant is present in population databases (no rsID available, gnomAD 0.001%). This sequence change affects codon 377 of the PLOD3 mRNA. It is a 'silent' change, meaning that it does not change the encoded amino acid sequence of the PLOD3 protein. Algorithms developed to predict the effect of sequence changes on RNA splicing suggest that this variant may create or strengthen a splice site.